The following is an entry in ClinVar:

NM_001042492.3(NF1):c.158T>A (p.Leu53Ter)

Gene: NF1 (neurofibromin 1; plus strand). Cytogenetic location: 17q11.2.
Variant type: single nucleotide variant.
Coding change: c.158T>A on transcript NM_001042492.3 (MANE Select); coding-DNA position 158, T replaced by A.
Protein change: p.Leu53Ter; replaces leucine 53 with a stop codon.
Molecular consequence: nonsense.
Genome position (GRCh38, 1-based): chr17:31,156,080, T>A. VCF-style: chr17-31156080-T-A. GRCh37 (hg19) VCF-style: chr17-29483098-T-A.
Other names: c.158T>A, p.Leu53Ter (NM_000267.4, NM_001128147.3); short protein forms L53*.
Identifiers: ClinVar variation 2830329 (VCV002830329.3), dbSNP rs2544681496, ClinGen allele CA398988534.
Genomic context (GRCh38, chr17:31,156,080, plus strand): 5'-AAGTCAGTACTGAGCACAACAAGGAATGTCTAATCAATATTTCCAAATACAAGTTTTCTT[T>A]GGTTATAAGCGGCCTCACTACTATTTTAAAGAATGTTAACAATATGGTGAGTATTTGGGT-3'

ClinVar aggregate classification (germline): Pathogenic (1 of 4 stars; one submission).

Conditions:
Neurofibromatosis, type 1 (NF1). Also called: VON RECKLINGHAUSEN DISEASE; NEUROFIBROMATOSIS, TYPE I, SOMATIC; Neurofibromatosis, type I; Peripheral type neurofibromatosis. Identifiers: Orphanet 636, MedGen C0027831, MONDO:0018975, OMIM 162200. Disease mechanism: loss of function.

Submission:

Labcorp Genetics (formerly Invitae), Labcorp
Classification: Pathogenic for Neurofibromatosis, type 1. Last evaluated: 2023-12-08. Review status: criteria provided, single submitter. Criteria: Invitae Variant Classification Sherloc (09022015). Collection method: clinical testing. Allele origin: germline.
Comment: This sequence change creates a premature translational stop signal (p.Leu53*) in the NF1 gene. It is expected to result in an absent or disrupted protein product. Loss-of-function variants in NF1 are known to be pathogenic (PMID: 10712197, 23913538). This variant is not present in population databases (gnomAD no frequency). This variant has not been reported in the literature in individuals affected with NF1-related conditions. For these reasons, this variant has been classified as Pathogenic.

Literature cited by the submitters: PubMed 10712197; PubMed 23913538.